The following is an entry in ClinVar:

ClinVar aggregate classification (germline): Uncertain significance (1 of 4 stars; one submission).

Conditions:
Melnick-Needles syndrome (MNS). Also called: MELNICK-NEEDLES OSTEODYSPLASTY; Melnick-Needles Syndrome (FLNA-MNS); OSTEODYSPLASTY OF MELNICK AND NEEDLES. Identifiers: Orphanet 2484, MedGen C0025237, MONDO:0010650, OMIM 309350.
Frontometaphyseal dysplasia (FMD1). Identifiers: Orphanet 1826, MedGen C0265293, MONDO:0015942.
Heterotopia, periventricular, X-linked dominant (PVNH1). Also called: PERIVENTRICULAR NODULAR HETEROTOPIA 1; X-linked periventricular heterotopia; PERIVENTRICULAR NODULAR HETEROTOPIA 4; HETEROTOPIA, PERIVENTRICULAR, 1. Identifiers: Orphanet 2149, Orphanet 82004, MedGen C1848213, MONDO:0010233, OMIM 300049.
Oto-palato-digital syndrome, type II (OPD2). Also called: FACIOPALATOOSSEOUS SYNDROME; Otopalatodigital Syndrome Type 2 (FLNA-OPD2); OPD II SYNDROME; Otopalatodigital Syndrome, Type II. Identifiers: Orphanet 669, Orphanet 90652, MedGen C1844696, MONDO:0010571, OMIM 304120.

Submission:

Labcorp Genetics (formerly Invitae), Labcorp
Classification: Uncertain significance for Oto-palato-digital syndrome, type II; Heterotopia, periventricular, X-linked dominant; Frontometaphyseal dysplasia; Melnick-Needles syndrome. Last evaluated: 2021-09-15. Review status: criteria provided, single submitter. Criteria: Invitae Variant Classification Sherloc (09022015). Collection method: clinical testing. Allele origin: germline.
Comment: This sequence change replaces glutamic acid with lysine at codon 1694 of the FLNA protein (p.Glu1694Lys). The glutamic acid residue is highly conserved and there is a small physicochemical difference between glutamic acid and lysine. This variant is not present in population databases (ExAC no frequency). This variant has not been reported in the literature in individuals affected with FLNA-related conditions. Advanced modeling of protein sequence and biophysical properties (such as structural, functional, and spatial information, amino acid conservation, physicochemical variation, residue mobility, and thermodynamic stability) performed at Invitae indicates that this missense variant is not expected to disrupt FLNA protein function. In summary, the available evidence is currently insufficient to determine the role of this variant in disease. Therefore, it has been classified as a Variant of Uncertain Significance.

NM_001110556.2(FLNA):c.5104G>A (p.Glu1702Lys)

Gene: FLNA (filamin A; minus strand). Cytogenetic location: Xq28.
Variant type: single nucleotide variant.
Coding change: c.5104G>A on transcript NM_001110556.2 (MANE Select); coding-DNA position 5104, G replaced by A.
Protein change: p.Glu1702Lys; replaces glutamic acid 1702 with lysine.
Molecular consequence: missense variant.
Genome position (GRCh38, 1-based): chrX:154,354,938, C>T on the plus strand (G>A on the coding strand, the complement: FLNA is on the minus strand). VCF-style: chrX-154354938-C-T. GRCh37 (hg19) VCF-style: chrX-153583306-C-T.
Other names: c.5080G>A, p.Glu1694Lys (NM_001456.4); short protein forms E1702K, E1694K.
Identifiers: ClinVar variation 1450874 (VCV001450874.6), dbSNP rs1468053311, ClinGen allele CA415207802.
Genomic context (GRCh38, chrX:154,354,938, plus strand): 5'-TGACGTATTTGCCCGGCTGGGGGGCCGTGTAGAAGATGTCGAAAGTGCCGTCCTCATTCT[C>T]CACCACGTCCACATCCACCTCTGAGCCATCAGGCGTGCACACGGTGCACGTCACTTTGCC-3'
Protein context (NP_001104026.1, residues 1692-1712): DGSEVDVDVV[Glu1702Lys]NEDGTFDIFY